The following is an entry in ClinVar:

ClinVar aggregate classification (germline): Benign (1 of 4 stars; one submission).

Conditions:
Osteogenesis imperfecta type 7 (OI7). Also called: OI type 7; OI type VII; OSTEOGENESIS IMPERFECTA, TYPE IIB; Osteogenesis imperfecta type 2B; OI type 2B; Osteogenesis imperfecta, perinatal lethal autosomal recessive. Identifiers: MedGen C1853162, MONDO:0012536, OMIM 610682.

Allele frequency attached by ClinVar (database versions not stated): gnomAD exomes 0.00521; gnomAD 0.01992; 1000 Genomes Project 0.02296; 1000 Genomes Project 30x 0.02467; TOPMed 0.02487.
gnomAD v4.1: 3,276 of 152,424 alleles (2.1%); highest among the groups gnomAD compares: African/African-American, 7.4%; 115 homozygotes.

Submission:

Illumina Laboratory Services, Illumina
Classification: Benign for Osteogenesis imperfecta type 7. Last evaluated: 2018-01-12. Review status: criteria provided, single submitter. Criteria: ICSL Variant Classification Criteria 13 December 2019. Collection method: clinical testing. Allele origin: germline.
Comment: This variant was observed in the ICSL laboratory as part of a predisposition screen in an ostensibly healthy population. It had not been previously curated by ICSL or reported in the Human Gene Mutation Database (HGMD: prior to June 1st, 2018), and was therefore a candidate for classification through an automated scoring system. Utilizing variant allele frequency, disease prevalence and penetrance estimates, and inheritance mode, an automated score was calculated to assess if this variant is too frequent to cause the disease. Based on the score and internal cut-off values, a variant classified as benign is not then subjected to further curation. The score for this variant resulted in a classification of benign for this disease.

NM_006371.5(CRTAP):c.*3145A>G

Gene: CRTAP (cartilage associated protein; plus strand). Cytogenetic location: 3p22.3.
Variant type: single nucleotide variant.
Coding change: c.*3145A>G on transcript NM_006371.5 (MANE Select); 3145 bases downstream of the stop codon, A replaced by G.
Molecular consequence: 3 prime UTR variant.
Genome position (GRCh38, 1-based): chr3:33,145,593, A>G. VCF-style: chr3-33145593-A-G. GRCh37 (hg19) VCF-style: chr3-33187085-A-G.
Identifiers: ClinVar variation 344864 (VCV000344864.5), dbSNP rs74503694, ClinGen allele CA10618500.